The following is an entry in ClinVar:

ClinVar aggregate classification (germline): Likely pathogenic. Review status: criteria provided, multiple submitters, no conflicts (2 of 4 stars). 3 submissions from 3 submitters: Likely pathogenic (2). 1 of the submissions does not count toward it. Last evaluated 2023-06-24.

Conditions:
Cohen syndrome (COH1). Also called: Cutis verticis gyrata, retinitis pigmentosa, and sensorineural deafness; PEPPER SYNDROME. Identifiers: Orphanet 193, MedGen C0265223, MONDO:0008999, OMIM 216550.

Allele frequency attached by ClinVar (database versions not stated): gnomAD exomes below 0.00001.
gnomAD v4.1: 2 of 1,614,128 alleles (0.00012%); highest among the groups gnomAD compares: Non-Finnish European, 0.00017%; no homozygotes.

Submissions (3):

Labcorp Genetics (formerly Invitae), Labcorp
Classification: Likely pathogenic for Cohen syndrome. Last evaluated: 2023-06-24. Review status: criteria provided, single submitter. Criteria: Invitae Variant Classification Sherloc (09022015). Collection method: clinical testing. Allele origin: germline.
Comment: This variant is not present in population databases (gnomAD no frequency). This sequence change affects an acceptor splice site in intron 17 of the VPS13B gene. It is expected to disrupt RNA splicing. Variants that disrupt the donor or acceptor splice site typically lead to a loss of protein function (PMID: 16199547), and loss-of-function variants in VPS13B are known to be pathogenic (PMID: 15141358, 16648375, 20461111). This variant has not been reported in the literature in individuals affected with VPS13B-related conditions. ClinVar contains an entry for this variant (Variation ID: 556013). Algorithms developed to predict the effect of sequence changes on RNA splicing suggest that this variant may disrupt the consensus splice site. In summary, the currently available evidence indicates that the variant is pathogenic, but additional data are needed to prove that conclusively. Therefore, this variant has been classified as Likely Pathogenic.

Laboratory for Molecular Medicine, Mass General Brigham Personalized Medicine
Classification: Likely pathogenic for Cohen syndrome. Last evaluated: 2018-12-06. Review status: criteria provided, single submitter. Criteria: LMM Criteria. Collection method: clinical testing. Allele origin: germline. Observed: 1 variant allele.
Comment: The c.2516-2A>G variant in VPS13B has not been previously reported in individual s with Cohen disease and was absent from large population studies. This variant occurs within the canonical splice site (+/- 1,2) and is predicted to cause alte red splicing leading to an abnormal or absent protein. Loss of function of the V PS13B gene is an established disease mechanism in autosomal recessive Cohen dise ase. In summary, although additional studies are required to fully establish its clinical significance, this variant meets criteria to be classified as likely p athogenic for autosomal recessive Cohen disease. ACMG/AMP Criteria applied: PM2, PVS1_Strong.

Counsyl
Classification: Likely pathogenic for Cohen syndrome. Last evaluated: 2018-01-08. Review status: no assertion criteria provided. Collection method: clinical testing. Allele origin: unknown. Not counted in ClinVar's aggregate classification.

Literature cited by the submitters: PubMed 16199547 (cited by Labcorp Genetics (formerly Invitae), Labcorp); PubMed 15141358 (cited by Labcorp Genetics (formerly Invitae), Labcorp); PubMed 16648375 (cited by Labcorp Genetics (formerly Invitae), Labcorp); PubMed 20461111 (cited by Labcorp Genetics (formerly Invitae), Labcorp).

NM_152564.5(VPS13B):c.2516-2A>G

Gene: VPS13B (vacuolar protein sorting 13 homolog B; plus strand). Cytogenetic location: 8q22.2.
Variant type: single nucleotide variant.
Coding change: c.2516-2A>G on transcript NM_152564.5 (MANE Select); the canonical splice acceptor site of the intron before coding-DNA position 2516, A replaced by G.
Molecular consequence: splice acceptor variant.
Genome position (GRCh38, 1-based): chr8:99,274,196, A>G. VCF-style: chr8-99274196-A-G. GRCh37 (hg19) VCF-style: chr8-100286424-A-G.
Other names: c.2516-2A>G (NM_017890.5).
Identifiers: ClinVar variation 556013 (VCV000556013.9), dbSNP rs1554706114, ClinGen allele CA371862090.
Genomic context (GRCh38, chr8:99,274,196, plus strand): 5'-GAAGGAATATAAAAATTATTTAAATTCAATCGGCTAGTACATTTGCAGTTTTCTTTTATT[A>G]GGTGTGAAATCTAAGAATCCCCTGCCAACTCTTGAGGGCTCAATCCAGAATGTTGAATTG-3'